The following is an entry in ClinVar:

ClinVar aggregate classification (germline): Conflicting classifications of pathogenicity. Review status: criteria provided, conflicting classifications (1 of 4 stars). 6 submissions from 6 submitters: Uncertain significance (1); Benign (1); Likely benign (3). 1 of the submissions does not count toward it. Last evaluated 2025-12-10.

Conditions:
Oligodontia-cancer predisposition syndrome. Also called: TOOTH AGENESIS-COLORECTAL CANCER SYNDROME. Identifiers: Orphanet 300576, MedGen C1837750, MONDO:0012075, OMIM 608615. Disease mechanism: loss of function.
Hereditary cancer-predisposing syndrome. Also called: Neoplastic Syndromes, Hereditary; Tumor predisposition; Hereditary Cancer Syndrome; Hereditary neoplastic syndrome. Identifiers: Orphanet 140162, MedGen C0027672, MeSH D009386, MONDO:0015356.
AXIN2-related disorder.

Allele frequency attached by ClinVar (database versions not stated): TOPMed 0.00006.
gnomAD v4.1: 20 of 1,614,144 alleles (0.0012%); highest among the groups gnomAD compares: Admixed American, 0.033%; no homozygotes.

Submissions (6):

Labcorp Genetics (formerly Invitae), Labcorp
Classification: Likely benign for Oligodontia-cancer predisposition syndrome. Last evaluated: 2025-12-10. Review status: criteria provided, single submitter. Criteria: Invitae Variant Classification Sherloc (09022015). Collection method: clinical testing. Allele origin: germline.

Quest Diagnostics Nichols Institute San Juan Capistrano
Classification: Likely benign. Last evaluated: 2025-02-08. Review status: criteria provided, single submitter. Criteria: Quest Diagnostics criteria. Collection method: clinical testing. Allele origin: unknown.

GeneDx
Classification: Uncertain significance. Last evaluated: 2024-11-24. Review status: criteria provided, single submitter. Criteria: GeneDx Variant Classification Process June 2021. Collection method: clinical testing. Allele origin: germline. Affected: yes.
Comment: Has not been previously published as pathogenic or benign to our knowledge; In silico analysis supports that this variant does not alter splicing

Myriad Genetics, Inc.
Classification: Benign for Oligodontia-cancer predisposition syndrome. Last evaluated: 2024-06-27. Review status: criteria provided, single submitter. Criteria: Myriad Autosomal Dominant, Autosomal Recessive and X-Linked Classification Criteria (2023). Collection method: clinical testing. Allele origin: unknown.
Comment: This variant is considered benign. This variant is a silent/synonymous amino acid change and it is not expected to impact splicing.

Ambry Genetics
Classification: Likely benign for Hereditary cancer-predisposing syndrome. Last evaluated: 2019-10-10. Review status: criteria provided, single submitter. Criteria: Ambry Variant Classification Scheme 2023. Collection method: clinical testing. Allele origin: germline.

PreventionGenetics, part of Exact Sciences
Classification: Likely benign for AXIN2-related condition. Last evaluated: 2024-08-29. Review status: no assertion criteria provided. Collection method: clinical testing. Allele origin: germline. Not counted in ClinVar's aggregate classification.
Comment: This variant is classified as likely benign based on ACMG/AMP sequence variant interpretation guidelines (Richards et al. 2015 PMID: 25741868, with internal and published modifications).

NM_004655.4(AXIN2):c.564G>A (p.Gln188=)

Gene: AXIN2 (axin 2; minus strand). Cytogenetic location: 17q24.1.
Variant type: single nucleotide variant.
Coding change: c.564G>A on transcript NM_004655.4 (MANE Select); coding-DNA position 564, G replaced by A.
Protein change: p.Gln188=; no amino-acid change (glutamine 188 retained).
Molecular consequence: synonymous variant.
Genome position (GRCh38, 1-based): chr17:65,558,057, C>T on the plus strand (G>A on the coding strand, the complement: AXIN2 is on the minus strand). VCF-style: chr17-65558057-C-T. GRCh37 (hg19) VCF-style: chr17-63554175-C-T.
Other names: c.564G>A, p.Gln188= (NM_001363813.1); c.564G>A (LRG_296t1).
Identifiers: ClinVar variation 464629 (VCV000464629.24), dbSNP rs753137017, ClinGen allele CA8719032.